The following is an entry in ClinVar:

ClinVar aggregate classification (germline): Uncertain significance (1 of 4 stars; one submission).

Submission:

GeneDx
Classification: Uncertain significance. Last evaluated: 2025-08-02. Review status: criteria provided, single submitter. Criteria: GeneDx Variant Classification Process June 2021. Collection method: clinical testing. Allele origin: germline. Affected: yes.
Comment: Not observed at significant frequency in large population cohorts (gnomAD); Has not been previously published as pathogenic or benign to our knowledge; Frameshift variant predicted to result in abnormal protein length as the last 61 amino acid(s) are replaced with 20 different amino acid(s) with an unclear effect on protein function

NM_001267052.2(UNC45B):c.2606_2618del (p.Ile869fs)

Gene: UNC45B (unc-45 myosin chaperone B; plus strand). Cytogenetic location: 17q12.
Variant type: Deletion.
Coding change: c.2606_2618del on transcript NM_001267052.2 (MANE Select); coding-DNA positions 2606 to 2618, 13 bases deleted (TTGCCTACAACCT).
Protein change: p.Ile869fs; shifts the reading frame from isoleucine 869.
Molecular consequence: frameshift variant.
Genome position (GRCh38, 1-based): chr17:35,186,375-35,186,387, TTGCCTACAACCT deleted. VCF-style (leftmost placement, unchanged base first): chr17-35186374-ATTGCCTACAACCT-A. GRCh37 (hg19) VCF-style: chr17-33513393-ATTGCCTACAACCT-A.
Other names: c.2612_2624del, p.Ile871fs (NM_173167.3); c.2606_2618del, p.Ile869fs (NM_001033576.2); c.2369_2381del, p.Ile790fs (NM_001308281.1); short protein forms I790fs, I869fs, I871fs.
Identifiers: ClinVar variation 4755850 (VCV004755850.1).